The following is an entry in ClinVar:

ClinVar aggregate classification (germline): Conflicting classifications of pathogenicity. Review status: criteria provided, conflicting classifications (1 of 4 stars). 7 submissions from 7 submitters: Uncertain significance (5); Likely benign (2). Last evaluated 2024-11-22.

Conditions:
Hereditary cancer-predisposing syndrome. Also called: Tumor predisposition; Neoplastic Syndromes, Hereditary; Hereditary Cancer Syndrome; Hereditary neoplastic syndrome. Identifiers: Orphanet 140162, MedGen C0027672, MeSH D009386, MONDO:0015356.
Hereditary breast ovarian cancer syndrome. Also called: Hereditary breast and ovarian cancer; Hereditary breast and ovarian cancer syndrome; Breast and ovarian cancer; Hereditary breast and/or ovarian cancer syndrome; BRCA1- and BRCA2-Associated Hereditary Breast and Ovarian Cancer; Hereditary breast and ovarian cancer syndrome (HBOC). Identifiers: Orphanet 145, MedGen C0677776, MeSH D061325, MONDO:0003582. Disease mechanism: loss of function.
Familial cancer of breast. Also called: BREAST CANCER, FAMILIAL; Hereditary breast cancer; hereditary breast carcinoma. Identifiers: Orphanet 227535, MedGen C0346153, MONDO:0016419, OMIM 114480. Disease mechanism: loss of function.

gnomAD v4.1: 1 of 1,614,178 alleles (0.000062%); no homozygotes.

Submissions (7):

Blueprint Genetics
Classification: Likely benign. Last evaluated: 2024-11-22. Review status: criteria provided, single submitter. Criteria: ACMG Guidelines, 2015. Collection method: clinical testing. Allele origin: germline.

Ambry Genetics
Classification: Likely benign for Hereditary cancer-predisposing syndrome. Last evaluated: 2024-03-14. Review status: criteria provided, single submitter. Criteria: Ambry Variant Classification Scheme 2023. Collection method: clinical testing. Allele origin: germline.

Color Diagnostics, LLC DBA Color Health
Classification: Uncertain significance for Hereditary cancer-predisposing syndrome. Last evaluated: 2023-12-05. Review status: criteria provided, single submitter. Criteria: ACMG Guidelines, 2015. Collection method: clinical testing. Allele origin: germline.
Comment: This missense variant replaces serine with threonine at codon 3250 of the BRCA2 protein. Computational prediction suggests that this variant may not impact protein structure and function. To our knowledge, functional studies have not been reported for this variant. This variant has not been reported in individuals affected with BRCA2-related disorders in the literature. This variant has not been identified in the general population by the Genome Aggregation Database (gnomAD). The available evidence is insufficient to determine the role of this variant in disease conclusively. Therefore, this variant is classified as a Variant of Uncertain Significance.

Baylor Genetics
Classification: Uncertain significance for Familial cancer of breast. Last evaluated: 2023-11-29. Review status: criteria provided, single submitter. Criteria: ACMG Guidelines, 2015. Collection method: clinical testing. Allele origin: unknown.

Labcorp Genetics (formerly Invitae), Labcorp
Classification: Uncertain significance for Hereditary breast ovarian cancer syndrome. Last evaluated: 2023-08-18. Review status: criteria provided, single submitter. Criteria: Invitae Variant Classification Sherloc (09022015). Collection method: clinical testing. Allele origin: germline.
Comment: In summary, the available evidence is currently insufficient to determine the role of this variant in disease. Therefore, it has been classified as a Variant of Uncertain Significance. Advanced modeling of protein sequence and biophysical properties (such as structural, functional, and spatial information, amino acid conservation, physicochemical variation, residue mobility, and thermodynamic stability) performed at Invitae indicates that this missense variant is not expected to disrupt BRCA2 protein function. ClinVar contains an entry for this variant (Variation ID: 633108). This missense change has been observed in individual(s) with breast cancer (PMID: 33646313). This variant is not present in population databases (gnomAD no frequency). This sequence change replaces serine, which is neutral and polar, with threonine, which is neutral and polar, at codon 3250 of the BRCA2 protein (p.Ser3250Thr).

Quest Diagnostics Nichols Institute San Juan Capistrano
Classification: Uncertain significance. Last evaluated: 2022-11-04. Review status: criteria provided, single submitter. Criteria: Quest Diagnostics criteria. Collection method: clinical testing. Allele origin: unknown.
Comment: It has not been reported in large, multi-ethnic general populations. In the published literature, the variant has been reported in an individual with breast cancer (PMID: 33646313 (2021)). Analysis of this variant using a bioinformatics tool for the prediction of the effect of amino acid changes on protein structure and function yielded a prediction that this variant is benign. Based on the available information, we are unable to determine the clinical significance of this variant.

Women's Health and Genetics/Laboratory Corporation of America, LabCorp
Classification: Uncertain significance. Last evaluated: 2018-03-20. Review status: criteria provided, single submitter. Criteria: LabCorp Variant Classification Summary - May 2015. Collection method: clinical testing. Allele origin: germline.
Comment: Variant summary: BRCA2 c.9748T>A (p.Ser3250Thr) results in a conservative amino acid change in the encoded protein sequence. The variant is located outside of any known functional domain or repeat and five of five in-silico tools predict a benign effect of the variant on protein function. The variant is absent from 246130 control chromosomes of gnomAD dataset. The available data on variant occurrences in the general population are insufficient to allow any conclusion about variant significance. To our knowledge, no occurrence of c.9748T>A in individuals affected with Hereditary Breast and Ovarian Cancer and no experimental evidence demonstrating its impact on protein function have been reported. No clinical diagnostic laboratories have submitted clinical-significance assessments for this variant to ClinVar after 2014. Based on the evidence outlined above, the variant was classified as uncertain significance.

Literature cited by the submitters: PubMed 33646313 (cited by Labcorp Genetics (formerly Invitae), Labcorp and Quest Diagnostics Nichols Institute San Juan Capistrano).

NM_000059.4(BRCA2):c.9748T>A (p.Ser3250Thr)

Gene: BRCA2 (BRCA2 DNA repair associated; plus strand). Cytogenetic location: 13q13.1.
Variant type: single nucleotide variant.
Coding change: c.9748T>A on transcript NM_000059.4 (MANE Select); coding-DNA position 9748, T replaced by A.
Protein change: p.Ser3250Thr; replaces serine 3250 with threonine.
Molecular consequence: missense variant.
Genome position (GRCh38, 1-based): chr13:32,398,261, T>A. VCF-style: chr13-32398261-T-A. GRCh37 (hg19) VCF-style: chr13-32972398-T-A.
Other names: short protein forms S3250T.
Identifiers: ClinVar variation 633108 (VCV000633108.11), dbSNP rs1173590589, ClinGen allele CA387765653.